The following is an entry in ClinVar:

ClinVar aggregate classification (germline): Pathogenic. Review status: criteria provided, multiple submitters, no conflicts (2 of 4 stars). 8 submissions from 8 submitters: Pathogenic (7). 1 of the submissions does not count toward it. Last evaluated 2025-04-20.

Conditions:
Inborn genetic diseases. Identifiers: MedGen C0950123, MeSH D030342.
Mowat-Wilson syndrome (MOWS). Also called: Classic Mowat-Wilson Syndrome. Identifiers: Orphanet 2152, MedGen C1856113, MONDO:0009341, OMIM 235730.

Submissions (8):

GeneDx
Classification: Pathogenic. Last evaluated: 2025-04-20. Review status: criteria provided, single submitter. Criteria: GeneDx Variant Classification Process June 2021. Collection method: clinical testing. Allele origin: germline. Affected: yes.
Comment: Not observed at significant frequency in large population cohorts (gnomAD); Frameshift variant predicted to result in protein truncation or nonsense mediated decay in a gene for which loss of function is a known mechanism of disease; This variant is associated with the following publications: (PMID: 11448942, 17203459, 27831545, 9719364, 38474085, 30573661, 34070208, 35646055)

Broad Center for Mendelian Genomics, Broad Institute of MIT and Harvard
Classification: Pathogenic for Mowat-Wilson syndrome. Last evaluated: 2023-01-25. Review status: criteria provided, single submitter. Criteria: ACMG Guidelines, 2015. Collection method: curation. Allele origin: germline. Inheritance: Autosomal dominant inheritance.
Comment: Trio exome analysis showed this variant to be de novo. The p.Met476AsnfsTer6 variant in ZEB2 has been previously reported in one individual with Mowat Wilson syndrome (PMID: 11448942). The number of reported affected individuals with this variant is slightly greater than expected compared to non-affected individuals with this variant. This variant has also been reported in ClinVar (Variation ID: 4757) and has been interpreted as pathogenic by multiple submitters. This variant was absent from large population studies. This variant is predicted to cause a frameshift, which alters the protein‚Äôs amino acid sequence beginning at position 476 and leads to a premature termination codon 6 amino acids downstream. This alteration is then predicted to lead to a truncated or absent protein. Heterozygous loss of function of the ZEB2 gene is an established disease mechanism in autosomal dominant Mowat Wilson syndrome. In summary, this variant meets criteria to be classified as pathogenic for Mowat Wilson syndrome. ACMG/AMP Criteria applied: PVS1, PS2_Supporting, PS4_Supporting, PM2_Supporting (Richards 2015).

Genome-Nilou Lab
Classification: Pathogenic for Mowat-Wilson syndrome. Last evaluated: 2021-11-07. Review status: criteria provided, single submitter. Criteria: ACMG Guidelines, 2015. Collection method: clinical testing. Allele origin: germline. Affected: no.

Labcorp Genetics (formerly Invitae), Labcorp
Classification: Pathogenic for Mowat-Wilson syndrome. Last evaluated: 2021-08-03. Review status: criteria provided, single submitter. Criteria: Invitae Variant Classification Sherloc (09022015). Collection method: clinical testing. Allele origin: germline.
Comment: For these reasons, this variant has been classified as Pathogenic. ClinVar contains an entry for this variant (Variation ID: 4757). This variant is also known as 1421insA . This premature translational stop signal has been observed in individual(s) with Mowat-Wilson syndrome (PMID: 11448942, 27831545). This variant is not present in population databases (ExAC no frequency). This sequence change creates a premature translational stop signal (p.Met476Asnfs*6) in the ZEB2 gene. It is expected to result in an absent or disrupted protein product. Loss-of-function variants in ZEB2 are known to be pathogenic (PMID: 16053902).

Ambry Genetics
Classification: Pathogenic for Inborn genetic diseases. Last evaluated: 2019-05-04. Review status: criteria provided, single submitter. Criteria: Ambry Variant Classification Scheme 2023. Collection method: clinical testing. Allele origin: germline.
Comment: The c.1426dupA pathogenic mutation (also referred to as 1421insA), located in coding exon 7 of the ZEB2 gene, results from a duplication of A at nucleotide position 1426, causing a translational frameshift with a predicted alternate stop codon (p.M476Nfs*6). This pathogenic mutation was identified in one patient from a cohort with Hirschsprung disease, intellectual disability, microcephaly, and distinctive facial phenotype (Cacheux V et al. Hum. Mol. Genet., 2001 Jul;10:1503-10). Additional features observed in this individual have been described in other publications, and include: heart defect (pulmonary atresia, ventricular septal defect, dysplastic mitral valve), failure-to-thrive, and seizures (Mowat DR et al. J. Med. Genet., 1998 Aug;35:617-23), broad halluces, submucous cleft, depigmentation, autonomic dysregulation (Dastot-Le Moal F et al. Hum. Mutat., 2007 Apr;28:313-21), and brain MRI findings of partial agenesis of the corpus callosum, ventricular temporal horn enlargement, and hippocampal abnormalities (Garavelli L et al. Genet. Med., 2017 06;19:691-700). In addition to the clinical data presented in the literature, this alteration is expected to result in loss of function by premature protein truncation or nonsense-mediated mRNA decay. As such, this alteration is interpreted as a disease-causing mutation.

Eurofins Ntd Llc (ga)
Classification: Pathogenic. Last evaluated: 2017-08-01. Review status: criteria provided, single submitter. Criteria: EGL Classification Definitions 2015. Collection method: clinical testing. Allele origin: germline. Observed: 2 variant alleles, 2 heterozygotes.

Genetic Services Laboratory, University of Chicago
Classification: Pathogenic for Mowat-Wilson syndrome. Last evaluated: 2013-05-01. Review status: criteria provided, single submitter. Criteria: ACMG Guidelines, 2007. Collection method: clinical testing. Allele origin: germline. Affected: yes.

OMIM
Classification: Pathogenic for MOWAT-WILSON SYNDROME. Last evaluated: 2001-07-01. Review status: no assertion criteria provided. Collection method: literature only. Allele origin: germline. Not counted in ClinVar's aggregate classification.

Literature cited by the submitters: PubMed 11448942 (cited by 3 submitters); PubMed 27831545 (cited by Labcorp Genetics (formerly Invitae), Labcorp and Ambry Genetics); PubMed 16053902 (cited by Labcorp Genetics (formerly Invitae), Labcorp); PubMed 17203459 (cited by Ambry Genetics); PubMed 9719364 (cited by Ambry Genetics and OMIM).

NM_014795.4(ZEB2):c.1426dup (p.Met476fs)

Gene: ZEB2 (zinc finger E-box binding homeobox 2; minus strand). Cytogenetic location: 2q22.3.
Variant type: Duplication.
Coding change: c.1426dup on transcript NM_014795.4 (MANE Select); coding-DNA position 1426, one base duplicated (A; older notation c.1426dupA).
Protein change: p.Met476fs; shifts the reading frame from methionine 476.
Molecular consequence: frameshift variant.
Genome position (GRCh38, 1-based): chr2:144,399,761, T duplicated on the plus strand (A on the coding strand, the reverse complement: ZEB2 is on the minus strand); the first of 6 consecutive T bases (chr2:144,399,761-144,399,766); duplicating any one gives the same sequence. VCF-style (leftmost placement, unchanged base first): chr2-144399760-A-AT. GRCh37 (hg19) VCF-style: chr2-145157327-A-AT.
Other names: NM_014795.4(ZEB2):c.1426dup; p.Met476fs; c.1354dup, p.Met452fs (NM_001171653.2); short protein forms M476fs, M452fs.
Identifiers: ClinVar variation 4757 (VCV000004757.21), dbSNP rs587776604, ClinGen allele CA253278.